The following is an entry in ClinVar:

ClinVar aggregate classification (germline): Conflicting classifications of pathogenicity. Review status: criteria provided, conflicting classifications (1 of 4 stars). 5 submissions from 5 submitters: Uncertain significance (4); Benign (1). Last evaluated 2026-03-21.

Conditions:
Familial thoracic aortic aneurysm and aortic dissection (TAAD). Also called: Thoracic aortic aneurysms and dissections. Identifiers: Orphanet 91387, MedGen C4707243, MONDO:0019625.
Ehlers-Danlos syndrome, classic type, 1 (EDSCL1). Also called: Ehlers-Danlos syndrome, type 1; Ehlers-Danlos Syndrome, Classic Type, COL5A1-Related; EDS I; EHLERS-DANLOS SYNDROME, GRAVIS TYPE; EHLERS-DANLOS SYNDROME, SEVERE CLASSIC TYPE. Identifiers: MedGen C0268335, MONDO:0019567, OMIM 130000.

Allele frequency attached by ClinVar (database versions not stated): 1000 Genomes Project 30x 0.00016; TOPMed 0.00004; ExAC 0.00003; 1000 Genomes Project 0.00020.
gnomAD v4.1: 29 of 1,613,478 alleles (0.0018%); highest among the groups gnomAD compares: South Asian, 0.0088%; no homozygotes.

Submissions (5):

Ambry Genetics
Classification: Uncertain significance for Familial thoracic aortic aneurysm and aortic dissection. Last evaluated: 2026-03-21. Review status: criteria provided, single submitter. Criteria: Ambry Variant Classification Scheme 2023. Collection method: clinical testing. Allele origin: germline.
Comment: The p.R1732W variant (also known as c.5194C>T), located in coding exon 65 of the COL5A1 gene, results from a C to T substitution at nucleotide position 5194. The arginine at codon 1732 is replaced by tryptophan, an amino acid with dissimilar properties. This amino acid position is conserved. In addition, this alteration is predicted to be deleterious by in silico analysis. Based on the available evidence, the clinical significance of this variant remains unclear.

Labcorp Genetics (formerly Invitae), Labcorp
Classification: Benign for Ehlers-Danlos syndrome, classic type, 1. Last evaluated: 2026-01-07. Review status: criteria provided, single submitter. Criteria: Invitae Variant Classification Sherloc (09022015). Collection method: clinical testing. Allele origin: germline.

Women's Health and Genetics/Laboratory Corporation of America, LabCorp
Classification: Uncertain significance. Last evaluated: 2025-03-28. Review status: criteria provided, single submitter. Criteria: LabCorp Variant Classification Summary - May 2015. Collection method: clinical testing. Allele origin: germline.
Comment: Variant summary: COL5A1 c.5194C>T (p.Arg1732Trp) results in a non-conservative amino acid change in the encoded protein sequence. Five of five in-silico tools predict a damaging effect of the variant on protein function. The variant allele was found at a frequency of 2.8e-05 in 249936 control chromosomes (gnomAD). The available data on variant occurrences in the general population are insufficient to allow any conclusion about variant significance. To our knowledge, no occurrence of c.5194C>T in individuals affected with Ehlers-Danlos syndrome, classic type, Ehlers-Danlos syndrome, classic type, 1 and no experimental evidence demonstrating its impact on protein function have been reported. ClinVar contains an entry for this variant (Variation ID: 843180). Based on the evidence outlined above, the variant was classified as uncertain significance.

Mayo Clinic Laboratories, Mayo Clinic
Classification: Uncertain significance. Last evaluated: 2023-05-02. Review status: criteria provided, single submitter. Criteria: ACMG Guidelines, 2015. Collection method: clinical testing. Allele origin: germline. Observed: 4 variant alleles.
Comment: BS1, PP3

GeneDx
Classification: Uncertain significance. Last evaluated: 2023-03-02. Review status: criteria provided, single submitter. Criteria: GeneDx Variant Classification Process June 2021. Collection method: clinical testing. Allele origin: germline. Affected: yes.
Comment: Has not been previously published as pathogenic or benign to our knowledge; In silico analysis supports that this missense variant has a deleterious effect on protein structure/function; Not located in the triple helical region, where the majority of pathogenic missense variants occur (Symoens et al., 2012; HGMD); This variant is associated with the following publications: (PMID: 22696272)

NM_000093.5(COL5A1):c.5194C>T (p.Arg1732Trp)

Genes: COL5A1 (collagen type V alpha 1 chain; plus strand), LOC101448202 (uncharacterized LOC101448202; minus strand). Cytogenetic location: 9q34.3.
Variant type: single nucleotide variant.
Coding change: c.5194C>T on transcript NM_000093.5 (MANE Select); coding-DNA position 5194, C replaced by T.
Protein change: p.Arg1732Trp; replaces arginine 1732 with tryptophan.
Molecular consequence: missense variant.
Genome position (GRCh38, 1-based): chr9:134,835,028, C>T. VCF-style: chr9-134835028-C-T. GRCh37 (hg19) VCF-style: chr9-137726874-C-T.
Other names: c.5194C>T, p.Arg1732Trp (NM_001278074.1); short protein forms R1732W.
Identifiers: ClinVar variation 843180 (VCV000843180.19), dbSNP rs201379514, ClinGen allele CA5320665.